The following is an entry in ClinVar:

ClinVar aggregate classification (germline): Uncertain significance (1 of 4 stars; one submission).

Submission:

GeneDx
Classification: Uncertain significance. Last evaluated: 2023-11-14. Review status: criteria provided, single submitter. Criteria: GeneDx Variant Classification Process June 2021. Collection method: clinical testing. Allele origin: germline. Affected: yes.
Comment: Not observed at significant frequency in large population cohorts (gnomAD); Frameshift variant predicted to result in protein truncation or nonsense mediated decay in a gene or region of a gene for which loss of function is not a well-established mechanism of disease; Has not been previously published as pathogenic or benign to our knowledge

NM_006922.4(SCN3A):c.3005_3021del (p.Asn1002fs)

Gene: SCN3A (sodium voltage-gated channel alpha subunit 3; minus strand). Cytogenetic location: 2q24.3.
Variant type: Deletion.
Coding change: c.3005_3021del on transcript NM_006922.4 (MANE Select); coding-DNA positions 3005 to 3021, 17 bases deleted (ATAATCTGCAGATTGCA).
Protein change: p.Asn1002fs; shifts the reading frame from asparagine 1002.
Molecular consequence: frameshift variant.
Genome position (GRCh38, 1-based): chr2:165,128,003-165,128,019, TGCAATCTGCAGATTAT deleted on the plus strand (ATAATCTGCAGATTGCA on the coding strand, the reverse complement: SCN3A is on the minus strand); deleting any 17 consecutive bases within chr2:165,128,003-165,128,020 gives the same sequence; the c. name uses the placement nearest the transcript's 3' end. VCF-style (leftmost placement, unchanged base first): chr2-165128002-CTGCAATCTGCAGATTAT-C. GRCh37 (hg19) VCF-style: chr2-165984512-CTGCAATCTGCAGATTAT-C.
Other names: c.2858_2874del, p.Asn953fs (NM_001081676.2, NM_001081677.2); short protein forms N1002fs, N953fs.
Identifiers: ClinVar variation 3364336 (VCV003364336.1).